The following is an entry in ClinVar:

ClinVar aggregate classification (germline): Uncertain significance (1 of 4 stars; one submission).

Conditions:
Hereditary spastic paraplegia 48. Also called: Spastic paraplegia 48; SPASTIC PARAPLEGIA 48, AUTOSOMAL RECESSIVE. Identifiers: Orphanet 306511, MedGen C3150901, MONDO:0013342, OMIM 613647.

gnomAD v4.1: 4 of 1,611,236 alleles (0.00025%); highest among the groups gnomAD compares: East Asian, 0.0022%; no homozygotes.

Submission:

Department of Human Genetics, Hannover Medical School
Classification: Uncertain significance for Hereditary spastic paraplegia 48. Last evaluated: 2025-03-21. Review status: criteria provided, single submitter. Criteria: ACMG Guidelines, 2015. Collection method: clinical testing. Allele origin: germline. Affected: yes.
Comment: ACMG: PM2_Supporting

NM_014855.3(AP5Z1):c.1975G>T (p.Asp659Tyr)

Gene: AP5Z1 (adaptor related protein complex 5 subunit zeta 1; plus strand). Cytogenetic location: 7p22.1.
Variant type: single nucleotide variant.
Coding change: c.1975G>T on transcript NM_014855.3 (MANE Select); coding-DNA position 1975, G replaced by T.
Protein change: p.Asp659Tyr; replaces aspartic acid 659 with tyrosine.
Molecular consequence: missense variant. On other transcripts: non-coding transcript variant (1).
Genome position (GRCh38, 1-based): chr7:4,790,709, G>T. VCF-style: chr7-4790709-G-T. GRCh37 (hg19) VCF-style: chr7-4830340-G-T.
Other names: c.1507G>T, p.Asp503Tyr (NM_001364858.1); short protein forms D503Y, D659Y.
Identifiers: ClinVar variation 3772683 (VCV003772683.1).